The following is an entry in ClinVar:

NM_005445.4(SMC3):c.724-199_724-194del

Gene: SMC3 (structural maintenance of chromosomes 3; plus strand). Cytogenetic location: 10q25.2.
Variant type: Microsatellite.
Coding change: c.724-199_724-194del on transcript NM_005445.4 (MANE Select); 199 bases into the intron before coding-DNA position 724 through 194 bases into the intron before coding-DNA position 724, 6 bases deleted (TGTAGT; older notation c.724-199_724-194delTGTAGT).
Molecular consequence: intron variant.
Genome position (GRCh38, 1-based): chr10:110,582,363-110,582,368, TGTAGT deleted; deleting any 6 consecutive bases within chr10:110,582,356-110,582,368 gives the same sequence; the c. name uses the placement nearest the transcript's 3' end. VCF-style (leftmost placement, unchanged base first): chr10-110582355-CTTGTAG-C. GRCh37 (hg19) VCF-style: chr10-112342113-CTTGTAG-C.
Identifiers: ClinVar variation 670111 (VCV000670111.1), dbSNP rs61351050, ClinGen allele CA213231383.

ClinVar aggregate classification (germline): Benign (1 of 4 stars; one submission).

Submission:

GeneDx
Classification: Benign. Last evaluated: 2018-06-16. Review status: criteria provided, single submitter. Criteria: GeneDx Variant Classification (06012015). Collection method: clinical testing. Allele origin: germline. Affected: yes.
Comment: This variant is considered likely benign or benign based on one or more of the following criteria: it is a conservative change, it occurs at a poorly conserved position in the protein, it is predicted to be benign by multiple in silico algorithms, and/or has population frequency not consistent with disease.